The following is an entry in ClinVar:

ClinVar aggregate classification (germline): Uncertain significance (1 of 4 stars; one submission).

Conditions:
Immunodeficiency, common variable, 7. Identifiers: Orphanet 1572, Orphanet 696894, MedGen C3542922, MONDO:0013862, OMIM 614699.

Submission:

Labcorp Genetics (formerly Invitae), Labcorp
Classification: Uncertain significance for Immunodeficiency, common variable, 7. Last evaluated: 2019-11-26. Review status: criteria provided, single submitter. Criteria: Invitae Variant Classification Sherloc (09022015). Collection method: clinical testing. Allele origin: germline.
Comment: In summary, the available evidence is currently insufficient to determine the role of this variant in disease. Therefore, it has been classified as a Variant of Uncertain Significance. Algorithms developed to predict the effect of missense changes on protein structure and function output the following: SIFT: "Tolerated"; PolyPhen-2: "Benign"; Align-GVGD: "Class C0". The serine amino acid residue is found in multiple mammalian species, suggesting that this missense change does not adversely affect protein function. These predictions have not been confirmed by published functional studies and their clinical significance is uncertain. This variant has not been reported in the literature in individuals with CR2-related conditions. This variant is not present in population databases (ExAC no frequency). This sequence change replaces leucine with serine at codon 839 of the CR2 protein (p.Leu839Ser). The leucine residue is moderately conserved and there is a large physicochemical difference between leucine and serine.

NM_001006658.3(CR2):c.2516T>C (p.Leu839Ser)

Gene: CR2 (complement C3d receptor 2; plus strand). Cytogenetic location: 1q32.2.
Variant type: single nucleotide variant.
Coding change: c.2516T>C on transcript NM_001006658.3 (MANE Select); coding-DNA position 2516, T replaced by C.
Protein change: p.Leu839Ser; replaces leucine 839 with serine.
Molecular consequence: missense variant.
Genome position (GRCh38, 1-based): chr1:207,475,016, T>C. VCF-style: chr1-207475016-T-C. GRCh37 (hg19) VCF-style: chr1-207648361-T-C.
Other names: c.2339T>C, p.Leu780Ser (NM_001877.5); short protein forms L780S, L839S.
Identifiers: ClinVar variation 860488 (VCV000860488.9), dbSNP rs1658394736, ClinGen allele CA344538440.